The following is an entry in ClinVar:

ClinVar aggregate classification (germline): Uncertain significance. Review status: criteria provided, multiple submitters, no conflicts (2 of 4 stars). 2 submissions from 2 submitters: Uncertain significance (2). Last evaluated 2025-07-06.

Conditions:
Epilepsy, familial focal, with variable foci 3 (FFEVF3). Identifiers: MedGen C4310708, MONDO:0014925, OMIM 617118.

Allele frequency attached by ClinVar (database versions not stated): ExAC 0.00003; gnomAD exomes 0.00003 and 0.00005; TOPMed 0.00005; gnomAD 0.00006.
gnomAD v4.1: 57 of 1,613,686 alleles (0.0035%); highest among the groups gnomAD compares: South Asian, 0.0044%; no homozygotes.

Submissions (2):

Labcorp Genetics (formerly Invitae), Labcorp
Classification: Uncertain significance for Epilepsy, familial focal, with variable foci 3. Last evaluated: 2025-07-06. Review status: criteria provided, single submitter. Criteria: Invitae Variant Classification Sherloc (09022015). Collection method: clinical testing. Allele origin: germline.
Comment: This sequence change replaces alanine, which is neutral and non-polar, with threonine, which is neutral and polar, at codon 468 of the NPRL3 protein (p.Ala468Thr). This variant is present in population databases (rs752246132, gnomAD 0.08%), and has an allele count higher than expected for a pathogenic variant. This variant has not been reported in the literature in individuals affected with NPRL3-related conditions. ClinVar contains an entry for this variant (Variation ID: 643202). Invitae Evidence Modeling of protein sequence and biophysical properties (such as structural, functional, and spatial information, amino acid conservation, physicochemical variation, residue mobility, and thermodynamic stability) indicates that this missense variant is not expected to disrupt NPRL3 protein function with a negative predictive value of 80%. In summary, the available evidence is currently insufficient to determine the role of this variant in disease. Therefore, it has been classified as a Variant of Uncertain Significance.

CeGaT Center for Human Genetics Tuebingen
Classification: Uncertain significance. Last evaluated: 2025-06-01. Review status: criteria provided, single submitter. Criteria: CeGaT Center For Human Genetics Tuebingen Variant Classification Criteria Version 2. Collection method: clinical testing. Allele origin: germline. Affected: yes. Observed: 1 variant allele.

NM_001077350.3(NPRL3):c.1402G>A (p.Ala468Thr)

Genes: HBA-LCR (alpha-globin locus control region; plus strand), NPRL3 (NPR3 like, GATOR1 complex subunit; minus strand). Cytogenetic location: 16p13.3.
Variant type: single nucleotide variant.
Coding change: c.1402G>A on transcript NM_001077350.3 (MANE Select); coding-DNA position 1402, G replaced by A.
Protein change: p.Ala468Thr; replaces alanine 468 with threonine.
Molecular consequence: missense variant.
Genome position (GRCh38, 1-based): chr16:88,840, C>T on the plus strand (G>A on the coding strand, the complement: NPRL3 is on the minus strand). VCF-style: chr16-88840-C-T. GRCh37 (hg19) VCF-style: chr16-138838-C-T.
Other names: c.865G>A, p.Ala289Thr (NM_001039476.3); c.1168G>A, p.Ala390Thr (NM_001243247.2); c.1327G>A, p.Ala443Thr (NM_001243248.2, NM_001243249.2); short protein forms A443T, A468T, A289T, A390T.
Identifiers: ClinVar variation 643202 (VCV000643202.16), dbSNP rs752246132, ClinGen allele CA7769337.